The following is an entry in ClinVar:

NM_004360.5(CDH1):c.2502C>G (p.Asp834Glu)

Gene: CDH1 (cadherin 1; plus strand). Cytogenetic location: 16q22.1.
Variant type: single nucleotide variant.
Coding change: c.2502C>G on transcript NM_004360.5 (MANE Select); coding-DNA position 2502, C replaced by G.
Protein change: p.Asp834Glu; replaces aspartic acid 834 with glutamic acid.
Molecular consequence: missense variant.
Genome position (GRCh38, 1-based): chr16:68,833,352, C>G. VCF-style: chr16-68833352-C-G. GRCh37 (hg19) VCF-style: chr16-68867255-C-G.
Other names: c.2319C>G, p.Asp773Glu (NM_001317184.2); c.954C>G, p.Asp318Glu (NM_001317185.2); c.537C>G, p.Asp179Glu (NM_001317186.2); short protein forms D179E, D318E, D773E, D834E.
Identifiers: ClinVar variation 3224177 (VCV003224177.1), dbSNP rs1961536081, ClinGen allele CA396472191.

ClinVar aggregate classification (germline): Uncertain significance (1 of 4 stars; one submission).

Conditions:
Hereditary cancer-predisposing syndrome. Also called: Tumor predisposition; Hereditary neoplastic syndrome; Hereditary Cancer Syndrome; Neoplastic Syndromes, Hereditary. Identifiers: Orphanet 140162, MedGen C0027672, MeSH D009386, MONDO:0015356.

Submission:

Ambry Genetics
Classification: Uncertain significance for Hereditary cancer-predisposing syndrome. Last evaluated: 2023-12-07. Review status: criteria provided, single submitter. Criteria: Ambry Variant Classification Scheme 2023. Collection method: clinical testing. Allele origin: germline.
Comment: The p.D834E variant (also known as c.2502C>G), located in coding exon 16 of the CDH1 gene, results from a C to G substitution at nucleotide position 2502. The aspartic acid at codon 834 is replaced by glutamic acid, an amino acid with highly similar properties. This amino acid position is conserved. In addition, the in silico prediction for this alteration is inconclusive. Since supporting evidence is limited at this time, the clinical significance of this alteration remains unclear.